The following is an entry in ClinVar:

NM_001458.5(FLNC):c.2782T>A (p.Tyr928Asn)

Gene: FLNC (filamin C; plus strand). Cytogenetic location: 7q32.1.
Variant type: single nucleotide variant.
Coding change: c.2782T>A on transcript NM_001458.5 (MANE Select); coding-DNA position 2782, T replaced by A.
Protein change: p.Tyr928Asn; replaces tyrosine 928 with asparagine.
Molecular consequence: missense variant.
Genome position (GRCh38, 1-based): chr7:128,843,548, T>A. VCF-style: chr7-128843548-T-A. GRCh37 (hg19) VCF-style: chr7-128483602-T-A.
Other names: c.2782T>A, p.Tyr928Asn (NM_001127487.2); short protein forms Y928N.
Identifiers: ClinVar variation 851036 (VCV000851036.10), dbSNP rs1808429909, ClinGen allele CA369193258.

ClinVar aggregate classification (germline): Uncertain significance (1 of 4 stars; one submission).

Conditions:
Myofibrillar myopathy 5. Also called: FILAMINOPATHY, AUTOSOMAL DOMINANT; Filaminopathy (type). Identifiers: Orphanet 171445, MedGen C1836050, MONDO:0012289, OMIM 609524.
Distal myopathy with posterior leg and anterior hand involvement. Also called: WILLIAMS DISTAL MYOPATHY. Identifiers: Orphanet 63273, MedGen C3279722, MONDO:0013550, OMIM 614065.
Hypertrophic cardiomyopathy 26. Also called: Cardiomyopathy, familial hypertrophic, 26. Identifiers: Orphanet 75249, MedGen C4310749, MONDO:0014883, OMIM 617047.

Submission:

Labcorp Genetics (formerly Invitae), Labcorp
Classification: Uncertain significance for Distal myopathy with posterior leg and anterior hand involvement; Myofibrillar myopathy 5; Hypertrophic cardiomyopathy 26. Last evaluated: 2025-01-06. Review status: criteria provided, single submitter. Criteria: Invitae Variant Classification Sherloc (09022015). Collection method: clinical testing. Allele origin: germline.
Comment: This sequence change replaces tyrosine, which is neutral and polar, with asparagine, which is neutral and polar, at codon 928 of the FLNC protein (p.Tyr928Asn). This variant is not present in population databases (gnomAD no frequency). This variant has not been reported in the literature in individuals affected with FLNC-related conditions. ClinVar contains an entry for this variant (Variation ID: 851036). Invitae Evidence Modeling of protein sequence and biophysical properties (such as structural, functional, and spatial information, amino acid conservation, physicochemical variation, residue mobility, and thermodynamic stability) has been performed for this missense variant. However, the output from this modeling did not meet the statistical confidence thresholds required to predict the impact of this variant on FLNC protein function. In summary, the available evidence is currently insufficient to determine the role of this variant in disease. Therefore, it has been classified as a Variant of Uncertain Significance.